The following is an entry in ClinVar:

NM_003108.4(SOX11):c.1078G>A (p.Asp360Asn)

Gene: SOX11 (SRY-box transcription factor 11; plus strand). Cytogenetic location: 2p25.2.
Variant type: single nucleotide variant.
Coding change: c.1078G>A on transcript NM_003108.4 (MANE Select); coding-DNA position 1078, G replaced by A.
Protein change: p.Asp360Asn; replaces aspartic acid 360 with asparagine.
Molecular consequence: missense variant.
Genome position (GRCh38, 1-based): chr2:5,693,799, G>A. VCF-style: chr2-5693799-G-A. GRCh37 (hg19) VCF-style: chr2-5833931-G-A.
Other names: short protein forms D360N.
Identifiers: ClinVar variation 3372909 (VCV003372909.1).
Genomic context (GRCh38, chr2:5,693,799, plus strand): 5'-TCCACCTCCTCGTCCAGCAGCAGCGGCAGCAGCAGCGGCAGCAGCGGCGAGGACGCCGAC[G>A]ACCTGATGTTCGACCTGAGCTTGAATTTCTCTCAAAGCGCGCACAGCGCCAGCGAGCAGC-3'
Protein context (NP_003099.1, residues 350-370): SSGSSGEDAD[Asp360Asn]LMFDLSLNFS

ClinVar aggregate classification (germline): Uncertain significance (1 of 4 stars; one submission).

Submission:

GeneDx
Classification: Uncertain significance. Last evaluated: 2024-04-23. Review status: criteria provided, single submitter. Criteria: GeneDx Variant Classification Process June 2021. Collection method: clinical testing. Allele origin: germline. Affected: yes.
Comment: Not observed at significant frequency in large population cohorts (gnomAD); In silico analysis supports that this missense variant has a deleterious effect on protein structure/function; Has not been previously published as pathogenic or benign to our knowledge